The following is an entry in ClinVar:

ClinVar aggregate classification (germline): Uncertain significance (1 of 4 stars; one submission).

Conditions:
Myofibrillar myopathy 3 (MFM3). Also called: Autosomal dominant spheroid body myopathy; Muscular dystrophy, proximal, type 1A. Identifiers: Orphanet 266, Orphanet 268129, MedGen C3714934, MONDO:0012215, OMIM 609200.

Submission:

Labcorp Genetics (formerly Invitae), Labcorp
Classification: Uncertain significance for Myofibrillar myopathy 3. Last evaluated: 2022-06-22. Review status: criteria provided, single submitter. Criteria: Invitae Variant Classification Sherloc (09022015). Collection method: clinical testing. Allele origin: germline.
Comment: This sequence change replaces lysine, which is basic and polar, with glutamine, which is neutral and polar, at codon 411 of the MYOT protein (p.Lys411Gln). Algorithms developed to predict the effect of missense changes on protein structure and function (SIFT, PolyPhen-2, Align-GVGD) all suggest that this variant is likely to be tolerated. This variant is not present in population databases (gnomAD no frequency). This variant has not been reported in the literature in individuals affected with MYOT-related conditions. In summary, the available evidence is currently insufficient to determine the role of this variant in disease. Therefore, it has been classified as a Variant of Uncertain Significance.

NM_006790.3(MYOT):c.1231A>C (p.Lys411Gln)

Genes: MYOT (myotilin; plus strand), PKD2L2-DT (PKD2L2 divergent transcript; minus strand). Cytogenetic location: 5q31.2.
Variant type: single nucleotide variant.
Coding change: c.1231A>C on transcript NM_006790.3 (MANE Select); coding-DNA position 1231, A replaced by C.
Protein change: p.Lys411Gln; replaces lysine 411 with glutamine.
Molecular consequence: missense variant.
Genome position (GRCh38, 1-based): chr5:137,886,904, A>C. VCF-style: chr5-137886904-A-C. GRCh37 (hg19) VCF-style: chr5-137222593-A-C.
Other names: c.679A>C, p.Lys227Gln (NM_001135940.2); c.886A>C, p.Lys296Gln (NM_001300911.2); short protein forms K296Q, K411Q, K227Q.
Identifiers: ClinVar variation 1999064 (VCV001999064.4), dbSNP rs1755619024, ClinGen allele CA361056483.
Genomic context (GRCh38, chr5:137,886,904, plus strand): 5'-CTTAAAAATTTTTATTTCAGCTTATATCAAGATAACACTGGAAGAGTTACTTTACTGATA[A>C]AAGATGTAAACAAGAAAGATGCTGGGTGGTATACTGTGTCAGCAGTTAATGAAGCTGGAG-3'
Protein context (NP_006781.1, residues 401-421): DNTGRVTLLI[Lys411Gln]DVNKKDAGWY